The following is an entry in ClinVar:

NM_001282225.2(ADA2):c.1146C>T (p.Ile382=)

Gene: ADA2 (adenosine deaminase 2; minus strand). Cytogenetic location: 22q11.1.
Variant type: single nucleotide variant.
Coding change: c.1146C>T on transcript NM_001282225.2 (MANE Select); coding-DNA position 1146, C replaced by T.
Protein change: p.Ile382=; no amino-acid change (isoleucine 382 retained).
Molecular consequence: synonymous variant.
Genome position (GRCh38, 1-based): chr22:17,182,697, G>A on the plus strand (C>T on the coding strand, the complement: ADA2 is on the minus strand). VCF-style: chr22-17182697-G-A. GRCh37 (hg19) VCF-style: chr22-17663587-G-A.
Other names: c.1146C>T, p.Ile382= (NM_001282226.2); c.1020C>T, p.Ile340= (NM_001282227.2, NM_001282228.2); c.786C>T, p.Ile262= (NM_001282229.2); c.423C>T, p.Ile141= (NM_177405.3).
Identifiers: ClinVar variation 1456802 (VCV001456802.33), dbSNP rs776302859, ClinGen allele CA10087941.

ClinVar aggregate classification (germline): Likely benign. Review status: criteria provided, multiple submitters, no conflicts (2 of 4 stars). 3 submissions from 3 submitters: Likely benign (3). Last evaluated 2024-03-05.

Conditions:
Deficiency of adenosine deaminase 2. Also called: Polyarteritis nodosa, childhoood-onset; Adenosine Deaminase 2 Deficiency; VASCULITIS, AUTOINFLAMMATION, IMMUNODEFICIENCY, AND HEMATOLOGIC DEFECTS SYNDROME. Identifiers: Orphanet 404553, MedGen C3887654, MONDO:0014306, OMIM 615688, MONDO:0100317.

Allele frequency attached by ClinVar (database versions not stated): TOPMed below 0.00001; ExAC 0.00001; gnomAD 0.00001; gnomAD exomes 0.00001.
gnomAD v4.1: 14 of 1,613,920 alleles (0.00087%); highest among the groups gnomAD compares: Middle Eastern, 0.05%; 1 homozygote.

Submissions (3):

Blueprint Genetics
Classification: Likely benign. Last evaluated: 2024-03-05. Review status: criteria provided, single submitter. Criteria: ACMG Guidelines, 2015. Collection method: clinical testing. Allele origin: germline.

Labcorp Genetics (formerly Invitae), Labcorp
Classification: Likely benign for Deficiency of adenosine deaminase 2. Last evaluated: 2023-04-29. Review status: criteria provided, single submitter. Criteria: Invitae Variant Classification Sherloc (09022015). Collection method: clinical testing. Allele origin: germline.

CeGaT Center for Human Genetics Tuebingen
Classification: Likely benign. Last evaluated: 2022-05-01. Review status: criteria provided, single submitter. Criteria: CeGaT Center For Human Genetics Tuebingen Variant Classification Criteria Version 2. Collection method: clinical testing. Allele origin: germline. Affected: yes. Observed: 1 variant allele.
Comment: ADA2: BP4, BP7